The following is an entry in ClinVar:

ClinVar aggregate classification (germline): Likely benign (1 of 4 stars; one submission).

Conditions:
ERCC8-related disorder. Also called: ERCC8-related condition.

gnomAD v4.1: 735 of 1,600,770 alleles (0.046%); highest among the groups gnomAD compares: Non-Finnish European, 0.061%; 2 homozygotes.

Submission:

PreventionGenetics, part of Exact Sciences
Classification: Likely benign for ERCC8-related condition. Last evaluated: 2026-05-13. Review status: criteria provided, single submitter. Criteria: ACMG Guidelines, 2015. Collection method: clinical testing. Allele origin: germline.
Comment: This variant is classified as likely benign based on ACMG/AMP sequence variant interpretation guidelines (Richards et al. 2015 PMID: 25741868, with internal and published modifications).

NM_000082.4(ERCC8):c.550+70A>T

Gene: ERCC8 (ERCC excision repair 8, CSA ubiquitin ligase complex subunit; minus strand). Cytogenetic location: 5q12.1.
Variant type: single nucleotide variant.
Coding change: c.550+70A>T on transcript NM_000082.4 (MANE Select); 70 bases into the intron after coding-DNA position 550, A replaced by T.
Molecular consequence: intron variant. On other transcripts: 3 prime UTR variant (1).
Genome position (GRCh38, 1-based): chr5:60,903,578, T>A on the plus strand (A>T on the coding strand, the complement: ERCC8 is on the minus strand). VCF-style: chr5-60903578-T-A. GRCh37 (hg19) VCF-style: chr5-60199405-T-A.
Other names: c.*2A>T (NM_001007234.3); c.91+70A>T (NM_001290285.2); c.376+70A>T (NM_001007233.3).
Identifiers: ClinVar variation 4986711 (VCV004986711.1).